The following is an entry in ClinVar:

ClinVar aggregate classification (germline): Uncertain significance. Review status: criteria provided, single submitter (1 of 4 stars). 2 submissions from 2 submitters: Uncertain significance (1). 1 of the submissions does not count toward it. Last evaluated 2025-06-16.

Conditions:
Bloom syndrome (BLM). Also called: Bloom-Torre-Machacek syndrome. Identifiers: Orphanet 125, MedGen C0005859, MONDO:0008876, OMIM 210900.

gnomAD v4.1: 1 of 1,614,148 alleles (0.000062%); no homozygotes.

Submissions (2):

Labcorp Genetics (formerly Invitae), Labcorp
Classification: Uncertain significance for Bloom syndrome. Last evaluated: 2025-06-16. Review status: criteria provided, single submitter. Criteria: Invitae Variant Classification Sherloc (09022015). Collection method: clinical testing. Allele origin: germline.
Comment: This sequence change replaces proline, which is neutral and non-polar, with histidine, which is basic and polar, at codon 1320 of the BLM protein (p.Pro1320His). This variant is not present in population databases (gnomAD no frequency). This variant has not been reported in the literature in individuals affected with BLM-related conditions. ClinVar contains an entry for this variant (Variation ID: 1060609). Invitae Evidence Modeling of protein sequence and biophysical properties (such as structural, functional, and spatial information, amino acid conservation, physicochemical variation, residue mobility, and thermodynamic stability) indicates that this missense variant is not expected to disrupt BLM protein function with a negative predictive value of 80%. In summary, the available evidence is currently insufficient to determine the role of this variant in disease. Therefore, it has been classified as a Variant of Uncertain Significance.

Natera, Inc.
Classification: Uncertain significance for Bloom syndrome. Last evaluated: 2019-01-09. Review status: no assertion criteria provided. Collection method: clinical testing. Allele origin: germline. Not counted in ClinVar's aggregate classification.

NM_000057.4(BLM):c.3959C>A (p.Pro1320His)

Gene: BLM (BLM RecQ like helicase; plus strand). Cytogenetic location: 15q26.1.
Variant type: single nucleotide variant.
Coding change: c.3959C>A on transcript NM_000057.4 (MANE Select); coding-DNA position 3959, C replaced by A.
Protein change: p.Pro1320His; replaces proline 1320 with histidine.
Molecular consequence: missense variant.
Genome position (GRCh38, 1-based): chr15:90,811,289, C>A. VCF-style: chr15-90811289-C-A. GRCh37 (hg19) VCF-style: chr15-91354519-C-A.
Other names: c.3959C>A, p.Pro1320His (NM_001287246.2); c.3566C>A, p.Pro1189His (NM_001287247.2); c.2834C>A, p.Pro945His (NM_001287248.2); short protein forms P1189H, P1320H, P945H.
Identifiers: ClinVar variation 1060609 (VCV001060609.12), dbSNP rs2151199849, ClinGen allele CA393850886.